The following is an entry in ClinVar:

NM_032730.5(RTN4IP1):c.281A>G (p.Tyr94Cys)

Gene: RTN4IP1 (reticulon 4 interacting protein 1; minus strand). Cytogenetic location: 6q21.
Variant type: single nucleotide variant.
Coding change: c.281A>G on transcript NM_032730.5 (MANE Select); coding-DNA position 281, A replaced by G.
Protein change: p.Tyr94Cys; replaces tyrosine 94 with cysteine.
Molecular consequence: missense variant. On other transcripts: 5 prime UTR variant (1).
Genome position (GRCh38, 1-based): chr6:106,622,963, T>C on the plus strand (A>G on the coding strand, the complement: RTN4IP1 is on the minus strand). VCF-style: chr6-106622963-T-C. GRCh37 (hg19) VCF-style: chr6-107070838-T-C.
Other names: c.-20A>G (NM_001318746.1); short protein forms Y94C.
Identifiers: ClinVar variation 2072193 (VCV002072193.4), dbSNP rs1255915161, ClinGen allele CA365166501.

ClinVar aggregate classification (germline): Uncertain significance (1 of 4 stars; one submission).

Submission:

Labcorp Genetics (formerly Invitae), Labcorp
Classification: Uncertain significance. Last evaluated: 2022-01-03. Review status: criteria provided, single submitter. Criteria: Invitae Variant Classification Sherloc (09022015). Collection method: clinical testing. Allele origin: germline.
Comment: In summary, the available evidence is currently insufficient to determine the role of this variant in disease. Therefore, it has been classified as a Variant of Uncertain Significance. Algorithms developed to predict the effect of missense changes on protein structure and function (SIFT, PolyPhen-2, Align-GVGD) all suggest that this variant is likely to be disruptive. This variant has not been reported in the literature in individuals affected with RTN4IP1-related conditions. This variant is not present in population databases (gnomAD no frequency). This sequence change replaces tyrosine, which is neutral and polar, with cysteine, which is neutral and slightly polar, at codon 94 of the RTN4IP1 protein (p.Tyr94Cys).